The following is an entry in ClinVar:

NM_006267.5(RANBP2):c.7513C>A (p.Pro2505Thr)

Gene: RANBP2 (RAN binding protein 2; plus strand). Cytogenetic location: 2q13.
Variant type: single nucleotide variant.
Coding change: c.7513C>A on transcript NM_006267.5 (MANE Select); coding-DNA position 7513, C replaced by A.
Protein change: p.Pro2505Thr; replaces proline 2505 with threonine.
Molecular consequence: missense variant.
Genome position (GRCh38, 1-based): chr2:108,768,052, C>A. VCF-style: chr2-108768052-C-A. GRCh37 (hg19) VCF-style: chr2-109384508-C-A.
Other names: short protein forms P2505T.
Identifiers: ClinVar variation 649862 (VCV000649862.22), dbSNP rs147542198, ClinGen allele CA1823607.
Genomic context (GRCh38, chr2:108,768,052, plus strand): 5'-GGTGATGATGTAGCAGATGCAACTTCAGAAGTTGAAGTGTCTAGCACATCTGAAACAACA[C>A]CAAAAGCAGTGGTTTCTCCTCCAAAGTTTGTATTTGGTTCAGAGTCTGTTAAAAGCATTT-3'
Protein context (NP_006258.3, residues 2495-2515): VEVSSTSETT[Pro2505Thr]KAVVSPPKFV

ClinVar aggregate classification (germline): Conflicting classifications of pathogenicity. Review status: criteria provided, conflicting classifications (1 of 4 stars). 3 submissions from 3 submitters: Uncertain significance (1); Likely benign (2). Last evaluated 2025-01-01.

Conditions:
Familial acute necrotizing encephalopathy (IIAE3). Also called: Susceptibility to Acute Necrotizing Encephalopathy 1; ENCEPHALOPATHY, ACUTE, INFECTION-INDUCED, SUSCEPTIBILITY TO, 3. Identifiers: Orphanet 88619, MedGen C2675556, MONDO:0011953, OMIM 608033.

Allele frequency attached by ClinVar (database versions not stated): gnomAD 0.00011; TOPMed 0.00012.
gnomAD v4.1: 89 of 1,611,624 alleles (0.0055%); highest among the groups gnomAD compares: Middle Eastern, 0.023%; no homozygotes.

Submissions (3):

CeGaT Center for Human Genetics Tuebingen
Classification: Likely benign. Last evaluated: 2025-01-01. Review status: criteria provided, single submitter. Criteria: CeGaT Center For Human Genetics Tuebingen Variant Classification Criteria Version 2. Collection method: clinical testing. Allele origin: germline. Affected: yes. Observed: 1 variant allele.
Comment: RANBP2: BP4

Ambry Genetics
Classification: Likely benign. Last evaluated: 2022-11-19. Review status: criteria provided, single submitter. Criteria: Ambry Variant Classification Scheme 2023. Collection method: clinical testing. Allele origin: germline.

Labcorp Genetics (formerly Invitae), Labcorp
Classification: Uncertain significance for Familial acute necrotizing encephalopathy. Last evaluated: 2022-09-07. Review status: criteria provided, single submitter. Criteria: Invitae Variant Classification Sherloc (09022015). Collection method: clinical testing. Allele origin: germline.
Comment: This sequence change replaces proline, which is neutral and non-polar, with threonine, which is neutral and polar, at codon 2505 of the RANBP2 protein (p.Pro2505Thr). This variant is present in population databases (rs147542198, gnomAD 0.01%). This variant has not been reported in the literature in individuals affected with RANBP2-related conditions. ClinVar contains an entry for this variant (Variation ID: 649862). Algorithms developed to predict the effect of missense changes on protein structure and function output the following: SIFT: "Tolerated"; PolyPhen-2: "Benign"; Align-GVGD: "Class C0". The threonine amino acid residue is found in multiple mammalian species, which suggests that this missense change does not adversely affect protein function. In summary, the available evidence is currently insufficient to determine the role of this variant in disease. Therefore, it has been classified as a Variant of Uncertain Significance.